The following is an entry in ClinVar:

NM_018699.4(PRDM5):c.1439A>G (p.Lys480Arg)

Gene: PRDM5 (PR/SET domain 5; minus strand). Cytogenetic location: 4q27.
Variant type: single nucleotide variant.
Coding change: c.1439A>G on transcript NM_018699.4 (MANE Select); coding-DNA position 1439, A replaced by G.
Protein change: p.Lys480Arg; replaces lysine 480 with arginine.
Molecular consequence: missense variant.
Genome position (GRCh38, 1-based): chr4:120,781,147, T>C on the plus strand (A>G on the coding strand, the complement: PRDM5 is on the minus strand). VCF-style: chr4-120781147-T-C. GRCh37 (hg19) VCF-style: chr4-121702302-T-C.
Other names: c.1346A>G, p.Lys449Arg (NM_001300823.2, NM_001300824.2, NM_001379106.1); c.1472A>G, p.Lys491Arg (NM_001379104.1); short protein forms K480R, K491R, K449R.
Identifiers: ClinVar variation 4614745 (VCV004614745.1).

ClinVar aggregate classification (germline): Uncertain significance (1 of 4 stars; one submission).

Conditions:
Cardiovascular phenotype. Identifiers: MedGen CN230736.

Submission:

Ambry Genetics
Classification: Uncertain significance for Cardiovascular phenotype. Last evaluated: 2025-10-12. Review status: criteria provided, single submitter. Criteria: Ambry Variant Classification Scheme 2023. Collection method: clinical testing. Allele origin: germline.
Comment: The p.K480R variant (also known as c.1439A>G), located in coding exon 12 of the PRDM5 gene, results from an A to G substitution at nucleotide position 1439. The lysine at codon 480 is replaced by arginine, an amino acid with highly similar properties. This amino acid position is conserved. In addition, this alteration is predicted to be tolerated by in silico analysis. Based on the available evidence, the clinical significance of this variant remains unclear.